The following is an entry in ClinVar:

ClinVar aggregate classification (germline): Likely benign. Review status: criteria provided, multiple submitters, no conflicts (2 of 4 stars). 2 submissions from 2 submitters: Likely benign (2). Last evaluated 2026-02-19.

Conditions:
GLI3-related disorder. Also called: GLI3-related disorders; GLI3-related condition. Identifiers: MedGen CN239292.
Inborn genetic diseases. Identifiers: MedGen C0950123, MeSH D030342.

Allele frequency attached by ClinVar (database versions not stated): ExAC 0.00004; TOPMed 0.00005; gnomAD exomes 0.00015.
gnomAD v4.1: 227 of 1,607,876 alleles (0.014%); highest among the groups gnomAD compares: Non-Finnish European, 0.019%; no homozygotes.

Submissions (2):

PreventionGenetics, part of Exact Sciences
Classification: Likely benign for GLI3-related condition. Last evaluated: 2026-02-19. Review status: criteria provided, single submitter. Criteria: ACMG Guidelines, 2015. Collection method: clinical testing. Allele origin: germline.
Comment: This variant is classified as likely benign based on ACMG/AMP sequence variant interpretation guidelines (Richards et al. 2015 PMID: 25741868, with internal and published modifications).

Ambry Genetics
Classification: Likely benign for Inborn genetic diseases. Last evaluated: 2023-04-28. Review status: criteria provided, single submitter. Criteria: Ambry Variant Classification Scheme 2023. Collection method: clinical testing. Allele origin: germline.

NM_000168.6(GLI3):c.3621C>A (p.Ser1207Arg)

Gene: GLI3 (GLI family zinc finger 3; minus strand). Cytogenetic location: 7p14.1.
Variant type: single nucleotide variant.
Coding change: c.3621C>A on transcript NM_000168.6 (MANE Select); coding-DNA position 3621, C replaced by A.
Protein change: p.Ser1207Arg; replaces serine 1207 with arginine.
Molecular consequence: missense variant.
Genome position (GRCh38, 1-based): chr7:41,965,452, G>T on the plus strand (C>A on the coding strand, the complement: GLI3 is on the minus strand). VCF-style: chr7-41965452-G-T. GRCh37 (hg19) VCF-style: chr7-42005050-G-T.
Other names: short protein forms S1207R.
Identifiers: ClinVar variation 2564253 (VCV002564253.3), dbSNP rs374797309, ClinGen allele CA4230318.
Genomic context (GRCh38, chr7:41,965,452, plus strand): 5'-CTCTGGGCCACCGTAGGGGTTGCTGTTCTCCCCGAGGGTCTGATAGCCCCCAGCAGGCCC[G>T]CTCCTCAAGGGGTTCTGCGGGTGGACGACCATGCCGTTGCAGAACCCAAAGGCGCGAGTC-3'
Protein context (NP_000159.3, residues 1197-1217): MVVHPQNPLR[Ser1207Arg]GPAGGYQTLG